The following is an entry in ClinVar:

NM_007194.4(CHEK2):c.483A>C (p.Glu161Asp)

Gene: CHEK2 (checkpoint kinase 2; minus strand). Cytogenetic location: 22q12.1.
Variant type: single nucleotide variant.
Coding change: c.483A>C on transcript NM_007194.4 (MANE Select); coding-DNA position 483, A replaced by C.
Protein change: p.Glu161Asp; replaces glutamic acid 161 with aspartic acid.
Molecular consequence: missense variant. On other transcripts: 5 prime UTR variant (2), intron variant (1).
Genome position (GRCh38, 1-based): chr22:28,725,086, T>G on the plus strand (A>C on the coding strand, the complement: CHEK2 is on the minus strand). VCF-style: chr22-28725086-T-G. GRCh37 (hg19) VCF-style: chr22-29121074-T-G.
Other names: c.612A>C, p.Glu204Asp (NM_001005735.3, NM_001438294.1); c.-295A>C (NM_001257387.3); c.-181A>C (NM_001437942.1); c.576A>C, p.Glu192Asp (NM_001438293.1, NM_001438295.1); c.483A>C, p.Glu161Asp (NM_145862.3); c.444+157A>C (NM_001349956.3); short protein forms E161D, E204D, E192D.
Identifiers: ClinVar variation 663055 (VCV000663055.12), dbSNP rs1601823895, ClinGen allele CA411107584.
Genomic context (GRCh38, chr22:28,725,086, plus strand): 5'-ACGGCGTTTTCCTTTCCCTACAAGCTCTGTATTTACAAAGGTTCCATTGCCACTGTGATC[T>G]TCTATGTATGCAATGTAAGAGTTTTTAGGACCCACTTCCTAAAATAGAGAACATTTTGTT-3'
Protein context (NP_009125.1, residues 151-171): GPKNSYIAYI[Glu161Asp]DHSGNGTFVN

ClinVar aggregate classification (germline): Uncertain significance. Review status: criteria provided, multiple submitters, no conflicts (2 of 4 stars). 2 submissions from 2 submitters: Uncertain significance (2). Last evaluated 2023-09-22.

Conditions:
Hereditary cancer-predisposing syndrome. Also called: Neoplastic Syndromes, Hereditary; Tumor predisposition; Hereditary neoplastic syndrome; Hereditary Cancer Syndrome. Identifiers: Orphanet 140162, MedGen C0027672, MeSH D009386, MONDO:0015356.
Familial cancer of breast. Also called: BREAST CANCER, FAMILIAL; hereditary breast carcinoma; Hereditary breast cancer. Identifiers: Orphanet 227535, MedGen C0346153, MONDO:0016419, OMIM 114480. Disease mechanism: loss of function.

Submissions (2):

Labcorp Genetics (formerly Invitae), Labcorp
Classification: Uncertain significance for Familial cancer of breast. Last evaluated: 2023-09-22. Review status: criteria provided, single submitter. Criteria: Invitae Variant Classification Sherloc (09022015). Collection method: clinical testing. Allele origin: germline.
Comment: In summary, the available evidence is currently insufficient to determine the role of this variant in disease. Therefore, it has been classified as a Variant of Uncertain Significance. An algorithm developed to predict the effect of missense changes on protein structure and function (PolyPhen-2) suggests that this variant is likely to be disruptive. ClinVar contains an entry for this variant (Variation ID: 663055). This variant has not been reported in the literature in individuals affected with CHEK2-related conditions. This variant is not present in population databases (gnomAD no frequency). This sequence change replaces glutamic acid, which is acidic and polar, with aspartic acid, which is acidic and polar, at codon 161 of the CHEK2 protein (p.Glu161Asp).

Ambry Genetics
Classification: Uncertain significance for Hereditary cancer-predisposing syndrome. Last evaluated: 2021-06-30. Review status: criteria provided, single submitter. Criteria: Ambry Variant Classification Scheme 2023. Collection method: clinical testing. Allele origin: germline.
Comment: The p.E161D variant (also known as c.483A>C), located in coding exon 3 of the CHEK2 gene, results from an A to C substitution at nucleotide position 483. The glutamic acid at codon 161 is replaced by aspartic acid, an amino acid with highly similar properties. This amino acid position is conserved. In addition, the in silico prediction for this alteration is inconclusive. Since supporting evidence is limited at this time, the clinical significance of this alteration remains unclear.